The following is an entry in ClinVar:

NM_001297.5(CNGB1):c.1011C>T (p.Asn337=)

Gene: CNGB1 (cyclic nucleotide gated channel subunit beta 1; minus strand). Cytogenetic location: 16q21.
Variant type: single nucleotide variant.
Coding change: c.1011C>T on transcript NM_001297.5 (MANE Select); coding-DNA position 1011, C replaced by T.
Protein change: p.Asn337=; no amino-acid change (asparagine 337 retained).
Molecular consequence: synonymous variant.
Genome position (GRCh38, 1-based): chr16:57,950,404, G>A on the plus strand (C>T on the coding strand, the complement: CNGB1 is on the minus strand). VCF-style: chr16-57950404-G-A. GRCh37 (hg19) VCF-style: chr16-57984308-G-A.
Other names: c.1011C>T (NM_001297.4); c.993C>T, p.Asn331= (NM_001286130.2).
Identifiers: ClinVar variation 2077944 (VCV002077944.7), dbSNP rs372808732, ClinGen allele CA8083602.

ClinVar aggregate classification (germline): Likely benign. Review status: criteria provided, multiple submitters, no conflicts (2 of 4 stars). 3 submissions from 3 submitters: Likely benign (2). 1 of the submissions does not count toward it. Last evaluated 2022-09-09.

Conditions:
CNGB1-related disorder. Also called: CNGB1-related condition.

Allele frequency attached by ClinVar (database versions not stated): gnomAD exomes 0.00001; ExAC 0.00002; ESP Exome Variant Server 0.00008; gnomAD 0.00011; TOPMed 0.00011.

Submissions (3):

Blueprint Genetics
Classification: Likely benign. Last evaluated: 2022-09-09. Review status: criteria provided, single submitter. Criteria: ACMG Guidelines, 2015. Collection method: clinical testing. Allele origin: germline.

Labcorp Genetics (formerly Invitae), Labcorp
Classification: Likely benign. Last evaluated: 2022-07-01. Review status: criteria provided, single submitter. Criteria: Invitae Variant Classification Sherloc (09022015). Collection method: clinical testing. Allele origin: germline.

PreventionGenetics, part of Exact Sciences
Classification: Likely benign for CNGB1-related condition. Last evaluated: 2019-08-19. Review status: no assertion criteria provided. Collection method: clinical testing. Allele origin: germline. Not counted in ClinVar's aggregate classification.
Comment: This variant is classified as likely benign based on ACMG/AMP sequence variant interpretation guidelines (Richards et al. 2015 PMID: 25741868, with internal and published modifications).